The following is an entry in ClinVar:

ClinVar aggregate classification (germline): Uncertain significance. Review status: criteria provided, multiple submitters, no conflicts (2 of 4 stars). 3 submissions from 3 submitters: Uncertain significance (3). Last evaluated 2025-12-06.

Conditions:
Brugada syndrome 8 (BRGDA8). Identifiers: Orphanet 130, MedGen C2751083, MONDO:0013148, OMIM 613123.
Cardiovascular phenotype. Identifiers: MedGen CN230736.

Allele frequency attached by ClinVar (database versions not stated): ExAC below 0.00001; gnomAD exomes 0.00004; TOPMed 0.00005; gnomAD 0.00006.
gnomAD v4.1: 50 of 1,260,142 alleles (0.004%); highest among the groups gnomAD compares: Admixed American, 0.012%; no homozygotes.

Submissions (3):

Labcorp Genetics (formerly Invitae), Labcorp
Classification: Uncertain significance for Brugada syndrome 8. Last evaluated: 2025-12-06. Review status: criteria provided, single submitter. Criteria: Invitae Variant Classification Sherloc (09022015). Collection method: clinical testing. Allele origin: germline.
Comment: This sequence change replaces proline, which is neutral and non-polar, with leucine, which is neutral and non-polar, at codon 145 of the HCN4 protein (p.Pro145Leu). This variant is not present in population databases (gnomAD no frequency). This variant has not been reported in the literature in individuals affected with HCN4-related conditions. ClinVar contains an entry for this variant (Variation ID: 573242). Invitae Evidence Modeling of protein sequence and biophysical properties (such as structural, functional, and spatial information, amino acid conservation, physicochemical variation, residue mobility, and thermodynamic stability) indicates that this missense variant is not expected to disrupt HCN4 protein function with a negative predictive value of 95%. In summary, the available evidence is currently insufficient to determine the role of this variant in disease. Therefore, it has been classified as a Variant of Uncertain Significance.

Ambry Genetics
Classification: Uncertain significance for Cardiovascular phenotype. Last evaluated: 2025-07-02. Review status: criteria provided, single submitter. Criteria: Ambry Variant Classification Scheme 2023. Collection method: clinical testing. Allele origin: germline.
Comment: The p.P145L variant (also known as c.434C>T), located in coding exon 1 of the HCN4 gene, results from a C to T substitution at nucleotide position 434. The proline at codon 145 is replaced by leucine, an amino acid with similar properties. This amino acid position is well conserved in available vertebrate species. In addition, the in silico prediction for this alteration is inconclusive. Based on the available evidence, the clinical significance of this variant remains unclear.

GeneDx
Classification: Uncertain significance. Last evaluated: 2025-01-29. Review status: criteria provided, single submitter. Criteria: GeneDx Variant Classification Process June 2021. Collection method: clinical testing. Allele origin: germline. Affected: yes.
Comment: Not observed at significant frequency in large population cohorts (gnomAD); In silico analysis indicates that this missense variant does not alter protein structure/function; Has not been previously published as pathogenic or benign to our knowledge

NM_005477.3(HCN4):c.434C>T (p.Pro145Leu)

Gene: HCN4 (hyperpolarization activated cyclic nucleotide gated potassium channel 4; minus strand). Cytogenetic location: 15q24.1.
Variant type: single nucleotide variant.
Coding change: c.434C>T on transcript NM_005477.3 (MANE Select); coding-DNA position 434, C replaced by T.
Protein change: p.Pro145Leu; replaces proline 145 with leucine.
Molecular consequence: missense variant.
Genome position (GRCh38, 1-based): chr15:73,367,837, G>A on the plus strand (C>T on the coding strand, the complement: HCN4 is on the minus strand). VCF-style: chr15-73367837-G-A. GRCh37 (hg19) VCF-style: chr15-73660178-G-A.
Other names: short protein forms P145L.
Identifiers: ClinVar variation 573242 (VCV000573242.10), dbSNP rs768272301, ClinGen allele CA7649475.